The following is an entry in ClinVar:

ClinVar aggregate classification (germline): Uncertain significance. Review status: criteria provided, multiple submitters, no conflicts (2 of 4 stars). 2 submissions from 2 submitters: Uncertain significance (2). Last evaluated 2025-11-22.

Conditions:
Hereditary cancer-predisposing syndrome. Also called: Hereditary Cancer Syndrome; Tumor predisposition; Hereditary neoplastic syndrome; Neoplastic Syndromes, Hereditary. Identifiers: Orphanet 140162, MedGen C0027672, MeSH D009386, MONDO:0015356.
Cardiovascular phenotype. Identifiers: MedGen CN230736.

Allele frequency attached by ClinVar (database versions not stated): gnomAD exomes below 0.00001; gnomAD 0.00001 and 0.00002; TOPMed 0.00001.
gnomAD v4.1: 7 of 1,613,486 alleles (0.00043%); highest among the groups gnomAD compares: African/African-American, 0.0027%; no homozygotes.

Submissions (2):

Labcorp Genetics (formerly Invitae), Labcorp
Classification: Uncertain significance. Last evaluated: 2025-11-22. Review status: criteria provided, single submitter. Criteria: Invitae Variant Classification Sherloc (09022015). Collection method: clinical testing. Allele origin: germline.
Comment: This sequence change replaces isoleucine, which is neutral and non-polar, with valine, which is neutral and non-polar, at codon 205 of the LZTR1 protein (p.Ile205Val). The frequency data for this variant in the population databases is considered unreliable, as metrics indicate poor data quality at this position in the gnomAD database. This variant has not been reported in the literature in individuals affected with LZTR1-related conditions. ClinVar contains an entry for this variant (Variation ID: 1416004). Invitae Evidence Modeling of protein sequence and biophysical properties (such as structural, functional, and spatial information, amino acid conservation, physicochemical variation, residue mobility, and thermodynamic stability) indicates that this missense variant is not expected to disrupt LZTR1 protein function with a negative predictive value of 80%. In summary, the available evidence is currently insufficient to determine the role of this variant in disease. Therefore, it has been classified as a Variant of Uncertain Significance.

Ambry Genetics
Classification: Uncertain significance for Cardiovascular phenotype; Hereditary cancer-predisposing syndrome. Last evaluated: 2025-03-17. Review status: criteria provided, single submitter. Criteria: Ambry Variant Classification Scheme 2023. Collection method: clinical testing. Allele origin: germline.
Comment: The p.I205V variant (also known as c.613A>G), located in coding exon 7 of the LZTR1 gene, results from an A to G substitution at nucleotide position 613. The isoleucine at codon 205 is replaced by valine, an amino acid with highly similar properties. This amino acid position is well conserved in available vertebrate species. In addition, this alteration is predicted to be tolerated by in silico analysis. Based on the available evidence, the clinical significance of this variant remains unclear.

NM_006767.4(LZTR1):c.613A>G (p.Ile205Val)

Gene: LZTR1 (leucine zipper like post translational regulator 1; plus strand). Cytogenetic location: 22q11.21.
Variant type: single nucleotide variant.
Coding change: c.613A>G on transcript NM_006767.4 (MANE Select); coding-DNA position 613, A replaced by G.
Protein change: p.Ile205Val; replaces isoleucine 205 with valine.
Molecular consequence: missense variant.
Genome position (GRCh38, 1-based): chr22:20,989,644, A>G. VCF-style: chr22-20989644-A-G. GRCh37 (hg19) VCF-style: chr22-21343933-A-G.
Other names: short protein forms I205V.
Identifiers: ClinVar variation 1416004 (VCV001416004.11), dbSNP rs1046322896, ClinGen allele CA322324968.